The following is an entry in ClinVar:

ClinVar aggregate classification (germline): Pathogenic (1 of 4 stars; one submission).

Submission:

Labcorp Genetics (formerly Invitae), Labcorp
Classification: Pathogenic. Last evaluated: 2023-04-06. Review status: criteria provided, single submitter. Criteria: Invitae Variant Classification Sherloc (09022015). Collection method: clinical testing. Allele origin: germline.
Comment: This sequence change creates a premature translational stop signal (p.Glu35Glyfs*27) in the TONSL gene. It is expected to result in an absent or disrupted protein product. Loss-of-function variants in TONSL are known to be pathogenic (PMID: 30773277). This variant is not present in population databases (gnomAD no frequency). This variant has not been reported in the literature in individuals affected with TONSL-related conditions. For these reasons, this variant has been classified as Pathogenic.

Literature cited by the submitters: PubMed 30773277.

NM_013432.5(TONSL):c.103dup (p.Glu35fs)

Genes: TONSL (tonsoku like, DNA repair protein; minus strand), LOC130001399 (ATAC-STARR-seq lymphoblastoid silent region 19685; plus strand). Cytogenetic location: 8q24.3.
Variant type: Duplication.
Coding change: c.103dup on transcript NM_013432.5 (MANE Select); coding-DNA position 103, one base duplicated (G; older notation c.103dupG).
Protein change: p.Glu35fs; shifts the reading frame from glutamic acid 35.
Molecular consequence: frameshift variant.
Genome position (GRCh38, 1-based): chr8:144,444,198, C duplicated on the plus strand (G on the coding strand, the reverse complement: TONSL is on the minus strand); the first of 5 consecutive C bases (chr8:144,444,198-144,444,202); duplicating any one gives the same sequence. VCF-style (leftmost placement, unchanged base first): chr8-144444197-T-TC. GRCh37 (hg19) VCF-style: chr8-145669580-T-TC.
Other names: short protein forms E35fs.
Identifiers: ClinVar variation 2852731 (VCV002852731.3), dbSNP rs2537511614, ClinGen allele CA2689110141.